The following is an entry in ClinVar:

NM_032638.5(GATA2):c.1289C>T (p.Ala430Val)

Gene: GATA2 (GATA binding protein 2; minus strand). Cytogenetic location: 3q21.3.
Variant type: single nucleotide variant.
Coding change: c.1289C>T on transcript NM_032638.5 (MANE Select); coding-DNA position 1289, C replaced by T.
Protein change: p.Ala430Val; replaces alanine 430 with valine.
Molecular consequence: missense variant.
Genome position (GRCh38, 1-based): chr3:128,481,173, G>A on the plus strand (C>T on the coding strand, the complement: GATA2 is on the minus strand). VCF-style: chr3-128481173-G-A. GRCh37 (hg19) VCF-style: chr3-128200016-G-A.
Other names: c.1289C>T, p.Ala430Val (NM_001145661.2); c.1247C>T, p.Ala416Val (NM_001145662.1); short protein forms A416V, A430V.
Identifiers: ClinVar variation 843425 (VCV000843425.12), dbSNP rs2068623044, ClinGen allele CA354412841.

ClinVar aggregate classification (germline): Uncertain significance. Review status: criteria provided, multiple submitters, no conflicts (2 of 4 stars). 2 submissions from 2 submitters: Uncertain significance (2). Last evaluated 2021-12-02.

Conditions:
Deafness-lymphedema-leukemia syndrome. Also called: Emberger syndrome; Lymphedema, primary, with myelodysplasia. Identifiers: Orphanet 3226, MedGen C3279664, MONDO:0013540, OMIM 614038.
Monocytopenia with susceptibility to infections. Also called: GATA2 DEFICIENCY; MONOCYTOPENIA AND MYCOBACTERIAL INFECTION SYNDROME; MONOCYTOPENIA WITH SUSCEPTIBILITY TO MYCOBACTERIAL, FUNGAL, AND PAPILLOMAVIRUS INFECTIONS AND MYELODYSPLASIA; COMBINED IMMUNODEFICIENCY WITH SUSCEPTIBILITY TO MYCOBACTERIAL, VIRAL, AND FUNGAL INFECTIONS; IMMUNODEFICIENCY 21; Dendritic cell, monocyte, B lymphocyte, and natural killer lymphocyte deficiency. Identifiers: Orphanet 228423, MedGen C3280030, MONDO:0013607, OMIM 614172.

Submissions (2):

Seattle Children's Hospital Molecular Genetics Laboratory, Seattle Children's Hospital
Classification: Uncertain significance. Last evaluated: 2021-12-02. Review status: criteria provided, single submitter. Criteria: ACMG Guidelines, 2015. Collection method: clinical testing. Allele origin: germline. Affected: yes.
Comment: The p.Ala430Val variant has been reported in patient databases (ClinVar accession RCV001046047.1) in an individual with lymphedema with myelodysplasia but is absent from the medical literature. This variant substitutes the alanine at amino acid position 430 with a valine. Multiple in silico tools predict this to be a pathogenic variant and it is absent from the general population (gnomAD v.2.1.1) but is also a poorly evolutionarily conserved position. Modeling of other nearby missense variants demonstrated impairment of GATA2 auto-regulatory transcription (Ref 4).

Labcorp Genetics (formerly Invitae), Labcorp
Classification: Uncertain significance for Monocytopenia with susceptibility to infections; Deafness-lymphedema-leukemia syndrome. Last evaluated: 2019-01-29. Review status: criteria provided, single submitter. Criteria: Invitae Variant Classification Sherloc (09022015). Collection method: clinical testing. Allele origin: germline.
Comment: In summary, the available evidence is currently insufficient to determine the role of this variant in disease. Therefore, it has been classified as a Variant of Uncertain Significance. Algorithms developed to predict the effect of missense changes on protein structure and function are either unavailable or do not agree on the potential impact of this missense change (SIFT: "Tolerated"; PolyPhen-2: "Probably Damaging"; Align-GVGD: "Class C0"). This variant has not been reported in the literature in individuals with GATA2-related conditions. This variant is not present in population databases (ExAC no frequency). This sequence change replaces alanine with valine at codon 430 of the GATA2 protein (p.Ala430Val). The alanine residue is moderately conserved and there is a small physicochemical difference between alanine and valine.